The following is an entry in ClinVar:

ClinVar aggregate classification (germline): Likely benign. Review status: criteria provided, multiple submitters, no conflicts (2 of 4 stars). 2 submissions from 2 submitters: Likely benign (2). Last evaluated 2025-06-01.

Conditions:
Neurodevelopmental disorder with or without hyperkinetic movements and seizures, autosomal dominant. Also called: Intellectual disability, autosomal dominant 8. Identifiers: MedGen C3280282, MONDO:0013655, OMIM 614254.

Allele frequency attached by ClinVar (database versions not stated): ExAC 0.00001; gnomAD 0.00002; gnomAD exomes 0.00002 and 0.00003; TOPMed 0.00002.
gnomAD v4.1: 53 of 1,614,028 alleles (0.0033%); highest among the groups gnomAD compares: Non-Finnish European, 0.0042%; no homozygotes.

Submissions (2):

CeGaT Center for Human Genetics Tuebingen
Classification: Likely benign. Last evaluated: 2025-06-01. Review status: criteria provided, single submitter. Criteria: CeGaT Center For Human Genetics Tuebingen Variant Classification Criteria Version 2. Collection method: clinical testing. Allele origin: germline. Affected: yes. Observed: 2 variant alleles.
Comment: GRIN1: BP4, BP7

Labcorp Genetics (formerly Invitae), Labcorp
Classification: Likely benign for Neurodevelopmental disorder with or without hyperkinetic movements and seizures, autosomal dominant. Last evaluated: 2023-12-31. Review status: criteria provided, single submitter. Criteria: Invitae Variant Classification Sherloc (09022015). Collection method: clinical testing. Allele origin: germline.

NM_007327.4(GRIN1):c.303C>T (p.His101=)

Gene: GRIN1 (glutamate ionotropic receptor NMDA type subunit 1; plus strand). Cytogenetic location: 9q34.3.
Variant type: single nucleotide variant.
Coding change: c.303C>T on transcript NM_007327.4 (MANE Select); coding-DNA position 303, C replaced by T.
Protein change: p.His101=; no amino-acid change (histidine 101 retained).
Molecular consequence: synonymous variant.
Genome position (GRCh38, 1-based): chr9:137,142,057, C>T. VCF-style: chr9-137142057-C-T. GRCh37 (hg19) VCF-style: chr9-140036509-C-T.
Other names: c.303C>T, p.His101= (NM_000832.7, NM_001185090.2, NM_001185091.2 and 1 more transcripts).
Identifiers: ClinVar variation 1106551 (VCV001106551.19), dbSNP rs780454705, ClinGen allele CA5360612.